The following is an entry in ClinVar:

ClinVar aggregate classification (germline): Uncertain significance. Review status: criteria provided, multiple submitters, no conflicts (2 of 4 stars). 2 submissions from 2 submitters: Uncertain significance (2). Last evaluated 2025-10-22.

Allele frequency attached by ClinVar (database versions not stated): gnomAD 0.00003; TOPMed 0.00004; ExAC 0.00005; ESP Exome Variant Server 0.00008.
gnomAD v4.1: 72 of 1,613,156 alleles (0.0045%); highest among the groups gnomAD compares: Non-Finnish European, 0.0059%; no homozygotes.

Submissions (2):

Ambry Genetics
Classification: Uncertain significance. Last evaluated: 2025-10-22. Review status: criteria provided, single submitter. Criteria: Ambry Variant Classification Scheme 2023. Collection method: clinical testing. Allele origin: germline.

Labcorp Genetics (formerly Invitae), Labcorp
Classification: Uncertain significance. Last evaluated: 2025-04-27. Review status: criteria provided, single submitter. Criteria: Invitae Variant Classification Sherloc (09022015). Collection method: clinical testing. Allele origin: germline.
Comment: This sequence change replaces histidine, which is basic and polar, with asparagine, which is neutral and polar, at codon 1738 of the NIN protein (p.His1738Asn). This variant is present in population databases (rs146564518, gnomAD 0.009%). This variant has not been reported in the literature in individuals affected with NIN-related conditions. ClinVar contains an entry for this variant (Variation ID: 2966006). An algorithm developed to predict the effect of missense changes on protein structure and function outputs the following: PolyPhen-2: "Benign". The asparagine amino acid residue is found in multiple mammalian species, which suggests that this missense change does not adversely affect protein function. In summary, the available evidence is currently insufficient to determine the role of this variant in disease. Therefore, it has been classified as a Variant of Uncertain Significance.

NM_020921.4(NIN):c.5212C>A (p.His1738Asn)

Gene: NIN (ninein; minus strand). Cytogenetic location: 14q22.1.
Variant type: single nucleotide variant.
Coding change: c.5212C>A on transcript NM_020921.4 (MANE Select); coding-DNA position 5212, C replaced by A.
Protein change: p.His1738Asn; replaces histidine 1738 with asparagine.
Molecular consequence: missense variant.
Genome position (GRCh38, 1-based): chr14:50,743,505, G>T on the plus strand (C>A on the coding strand, the complement: NIN is on the minus strand). VCF-style: chr14-50743505-G-T. GRCh37 (hg19) VCF-style: chr14-51210223-G-T.
Other names: c.3073C>A, p.His1025Asn (NM_016350.5); c.5212C>A, p.His1738Asn (NM_182944.3, NM_182946.2); c.5212C>A (NM_020921.3); short protein forms H1025N, H1738N.
Identifiers: ClinVar variation 2966006 (VCV002966006.4), dbSNP rs146564518, ClinGen allele CA7181352.